The following is an entry in ClinVar:

ClinVar aggregate classification (germline): Uncertain significance (1 of 4 stars; one submission).

Allele frequency attached by ClinVar (database versions not stated): gnomAD 0.00001; TOPMed 0.00001.
gnomAD v4.1: 7 of 1,614,106 alleles (0.00043%); highest among the groups gnomAD compares: Admixed American, 0.0017%; no homozygotes.

Submission:

Labcorp Genetics (formerly Invitae), Labcorp
Classification: Uncertain significance. Last evaluated: 2021-05-19. Review status: criteria provided, single submitter. Criteria: Invitae Variant Classification Sherloc (09022015). Collection method: clinical testing. Allele origin: germline.
Comment: In summary, the available evidence is currently insufficient to determine the role of this variant in disease. Therefore, it has been classified as a Variant of Uncertain Significance. This variant has not been reported in the literature in individuals with CNGA3-related conditions. Advanced modeling of protein sequence and biophysical properties (such as structural, functional, and spatial information, amino acid conservation, physicochemical variation, residue mobility, and thermodynamic stability) performed at Invitae indicates that this missense variant is not expected to disrupt CNGA3 protein function. This variant is present in population databases (rs768321000, ExAC 0.009%). This sequence change replaces tyrosine with histidine at codon 270 of the CNGA3 protein (p.Tyr270His). The tyrosine residue is moderately conserved and there is a moderate physicochemical difference between tyrosine and histidine.

NM_001298.3(CNGA3):c.808T>C (p.Tyr270His)

Gene: CNGA3 (cyclic nucleotide gated channel subunit alpha 3; plus strand). Cytogenetic location: 2q11.2.
Variant type: single nucleotide variant.
Coding change: c.808T>C on transcript NM_001298.3 (MANE Select); coding-DNA position 808, T replaced by C.
Protein change: p.Tyr270His; replaces tyrosine 270 with histidine.
Molecular consequence: missense variant.
Genome position (GRCh38, 1-based): chr2:98,395,978, T>C. VCF-style: chr2-98395978-T-C. GRCh37 (hg19) VCF-style: chr2-99012441-T-C.
Other names: c.754T>C, p.Tyr252His (NM_001079878.2); short protein forms Y270H, Y252H.
Identifiers: ClinVar variation 1515273 (VCV001515273.8), dbSNP rs768321000, ClinGen allele CA1793897.